The following is an entry in ClinVar:

ClinVar aggregate classification (germline): Uncertain significance (1 of 4 stars; one submission).

gnomAD v4.1: 21 of 1,614,002 alleles (0.0013%); highest among the groups gnomAD compares: Non-Finnish European, 0.0017%; no homozygotes.

Submission:

Mayo Clinic Laboratories, Mayo Clinic
Classification: Uncertain significance. Last evaluated: 2025-10-09. Review status: criteria provided, single submitter. Criteria: ACMG Guidelines, 2015. Collection method: clinical testing. Allele origin: germline. Observed: 1 variant allele.
Comment: BP4_moderate, PM2_supporting

NM_002292.4(LAMB2):c.86C>T (p.Ala29Val)

Gene: LAMB2 (laminin subunit beta 2; minus strand). Cytogenetic location: 3p21.31.
Variant type: single nucleotide variant.
Coding change: c.86C>T on transcript NM_002292.4 (MANE Select); coding-DNA position 86, C replaced by T.
Protein change: p.Ala29Val; replaces alanine 29 with valine.
Molecular consequence: missense variant.
Genome position (GRCh38, 1-based): chr3:49,132,654, G>A on the plus strand (C>T on the coding strand, the complement: LAMB2 is on the minus strand). VCF-style: chr3-49132654-G-A. GRCh37 (hg19) VCF-style: chr3-49170087-G-A.
Other names: p.Ala29Val; short protein forms A29V.
Identifiers: ClinVar variation 4540878 (VCV004540878.1).
Genomic context (GRCh38, chr3:49,132,654, plus strand): 5'-GGGTAGCAGCTTCCCCTGGAACAGCCAGGCACATCCGGGGCAGGGGCCTGTGCCAGTGTG[G>A]CAGCCAGCACTGGGGACAGTAGCTCAGTCAGTTCCGCTGAGTTCCTATCCAGTGGCTCCA-3'
Protein context (NP_002283.3, residues 19-39): RLGLLLSVLA[Ala29Val]TLAQAPAPDV